The following is an entry in ClinVar:

NM_145290.4(ADGRA3):c.752G>A (p.Arg251His)

Gene: ADGRA3 (adhesion G protein-coupled receptor A3; minus strand). Cytogenetic location: 4p15.2.
Variant type: single nucleotide variant.
Coding change: c.752G>A on transcript NM_145290.4 (MANE Select); coding-DNA position 752, G replaced by A.
Protein change: p.Arg251His; replaces arginine 251 with histidine.
Molecular consequence: missense variant.
Genome position (GRCh38, 1-based): chr4:22,442,818, C>T on the plus strand (G>A on the coding strand, the complement: ADGRA3 is on the minus strand). VCF-style: chr4-22442818-C-T. GRCh37 (hg19) VCF-style: chr4-22444441-C-T.
Other names: short protein forms R251H.
Identifiers: ClinVar variation 2187508 (VCV002187508.4), dbSNP rs758890185, ClinGen allele CA2874136.

ClinVar aggregate classification (germline): Uncertain significance (1 of 4 stars; one submission).

Allele frequency attached by ClinVar (database versions not stated): gnomAD 0.00002; TOPMed 0.00002; ExAC 0.00004.
gnomAD v4.1: 23 of 1,613,160 alleles (0.0014%); highest among the groups gnomAD compares: East Asian, 0.013%; no homozygotes.

Submission:

Labcorp Genetics (formerly Invitae), Labcorp
Classification: Uncertain significance. Last evaluated: 2024-05-07. Review status: criteria provided, single submitter. Criteria: Invitae Variant Classification Sherloc (09022015). Collection method: clinical testing. Allele origin: germline.
Comment: This sequence change replaces arginine, which is basic and polar, with histidine, which is basic and polar, at codon 251 of the ADGRA3 protein (p.Arg251His). This variant is present in population databases (rs758890185, gnomAD 0.02%). This variant has not been reported in the literature in individuals affected with ADGRA3-related conditions. ClinVar contains an entry for this variant (Variation ID: 2187508). An algorithm developed to predict the effect of missense changes on protein structure and function (PolyPhen-2) suggests that this variant is likely to be tolerated. In summary, the available evidence is currently insufficient to determine the role of this variant in disease. Therefore, it has been classified as a Variant of Uncertain Significance.